The following is an entry in ClinVar:

ClinVar aggregate classification (germline): Benign/Likely benign. Review status: criteria provided, multiple submitters, no conflicts (2 of 4 stars). 4 submissions from 4 submitters: Benign (1); Likely benign (3). Last evaluated 2025-11-09.

Conditions:
Hereditary cancer-predisposing syndrome. Also called: Tumor predisposition; Neoplastic Syndromes, Hereditary; Hereditary neoplastic syndrome; Hereditary Cancer Syndrome. Identifiers: Orphanet 140162, MedGen C0027672, MeSH D009386, MONDO:0015356.
Oligodontia-cancer predisposition syndrome. Also called: TOOTH AGENESIS-COLORECTAL CANCER SYNDROME. Identifiers: Orphanet 300576, MedGen C1837750, MONDO:0012075, OMIM 608615. Disease mechanism: loss of function.

Allele frequency attached by ClinVar (database versions not stated): gnomAD below 0.00001 and 0.00001; ExAC 0.00001; gnomAD exomes 0.00001; ESP Exome Variant Server 0.00008.
gnomAD v4.1: 10 of 1,613,446 alleles (0.00062%); highest among the groups gnomAD compares: East Asian, 0.0089%; no homozygotes.

Submissions (4):

Labcorp Genetics (formerly Invitae), Labcorp
Classification: Likely benign for Oligodontia-cancer predisposition syndrome. Last evaluated: 2025-11-09. Review status: criteria provided, single submitter. Criteria: Invitae Variant Classification Sherloc (09022015). Collection method: clinical testing. Allele origin: germline.

Myriad Genetics, Inc.
Classification: Benign for Oligodontia-cancer predisposition syndrome. Last evaluated: 2024-06-26. Review status: criteria provided, single submitter. Criteria: Myriad Autosomal Dominant, Autosomal Recessive and X-Linked Classification Criteria (2023). Collection method: clinical testing. Allele origin: unknown.
Comment: This variant is considered benign. This variant is a silent/synonymous amino acid change and it is not expected to impact splicing.

Sema4
Classification: Likely benign for Hereditary cancer-predisposing syndrome. Last evaluated: 2021-09-09. Review status: criteria provided, single submitter. Criteria: Sema4 Curation Guidelines. Collection method: curation. Allele origin: germline.

Ambry Genetics
Classification: Likely benign for Hereditary cancer-predisposing syndrome. Last evaluated: 2019-11-29. Review status: criteria provided, single submitter. Criteria: Ambry Variant Classification Scheme 2023. Collection method: clinical testing. Allele origin: germline.

NM_004655.4(AXIN2):c.256T>C (p.Leu86=)

Gene: AXIN2 (axin 2; minus strand). Cytogenetic location: 17q24.1.
Variant type: single nucleotide variant.
Coding change: c.256T>C on transcript NM_004655.4 (MANE Select); coding-DNA position 256, T replaced by C.
Protein change: p.Leu86=; no amino-acid change (leucine 86 retained).
Molecular consequence: synonymous variant.
Genome position (GRCh38, 1-based): chr17:65,558,365, A>G on the plus strand (T>C on the coding strand, the complement: AXIN2 is on the minus strand). VCF-style: chr17-65558365-A-G. GRCh37 (hg19) VCF-style: chr17-63554483-A-G.
Other names: c.256T>C, p.Leu86= (NM_001363813.1); c.256T>C (LRG_296t1).
Identifiers: ClinVar variation 415238 (VCV000415238.18), dbSNP rs374994649, ClinGen allele CA8719075.
Genomic context (GRCh38, chr17:65,558,365, plus strand): 5'-CCACGCATTTCTCCCTCTCCAGGAAAGTTCGGAACAGGTAAGCACCGTCTTGATCGCCCA[A>G]TAAGGAGTGTAAGGACTTGGTCCACCGGGTCAGAGGGGAATCCGGAGATGCCCGCCCCTC-3'
Protein context (NP_004646.3, residues 76-96): TRWTKSLHSL[Leu86=]GDQDGAYLFR